The following is an entry in ClinVar:

ClinVar aggregate classification (germline): Benign. Review status: criteria provided, multiple submitters, no conflicts (2 of 4 stars). 3 submissions from 3 submitters: Benign (3). Last evaluated 2024-07-31.

Allele frequency attached by ClinVar (database versions not stated): 1000 Genomes Project 30x 0.63898; 1000 Genomes Project 0.63918; TOPMed 0.66721; gnomAD 0.67897 and 0.68270; gnomAD exomes 0.76705.
gnomAD v4.1: 521,765 of 697,514 alleles (75%); highest among the groups gnomAD compares: Admixed American, 84%; 199,337 homozygotes.

Submissions (3):

Unidad de Genómica Garrahan, Hospital de Pediatría Garrahan
Classification: Benign. Last evaluated: 2024-07-31. Review status: criteria provided, single submitter. Criteria: ACMG Guidelines, 2015. Collection method: clinical testing. Allele origin: germline. Affected: no. Observed: 71 variant alleles.
Comment: This variant is classified as Benign based on local population frequency. This variant was detected in 76% of patients studied in a panel designed for Epileptic and Developmental Encephalopathy, Progressive Myoclonus Epilepsy and Abnormal Movements and Neurodegeneration with brain iron accumulation. Number of patients: 71. Only high quality variants are reported.

GeneDx
Classification: Benign. Last evaluated: 2018-07-05. Review status: criteria provided, single submitter. Criteria: GeneDx Variant Classification Process June 2021. Collection method: clinical testing. Allele origin: germline. Affected: yes.

Breakthrough Genomics
Classification: Benign. Review status: criteria provided, single submitter. Criteria: ACMG Guidelines, 2015. Collection method: not provided. Allele origin: germline. Inheritance: Autosomal dominant inheritance. Affected: yes.

NM_182978.4(GNAL):c.625-88A>G

Gene: GNAL (G protein subunit alpha L; plus strand). Cytogenetic location: 18p11.21.
Variant type: single nucleotide variant.
Coding change: c.625-88A>G on transcript NM_182978.4 (MANE Select); 88 bases into the intron before coding-DNA position 625, A replaced by G.
Molecular consequence: intron variant.
Genome position (GRCh38, 1-based): chr18:11,824,830, A>G. VCF-style: chr18-11824830-A-G. GRCh37 (hg19) VCF-style: chr18-11824829-A-G.
Other names: c.394-88A>G (NM_001261443.2, NM_001142339.3, NM_001369387.1).
Identifiers: ClinVar variation 1221629 (VCV001221629.6), dbSNP rs1647555, ClinGen allele CA296044829.
Genomic context (GRCh38, chr18:11,824,830, plus strand): 5'-AGTCGGTGCATTTTACTATGCAGACTTCCACAAAGAAAATCTGAATGCTACTTGCAAAAA[A>G]CAGTTTTTGCAGTTTCTTTTTCCTTTTAACTTTTTAAAAGGTTATTACACTTTTTTTTTT-3'